The following is an entry in ClinVar:

NM_001379500.1(COL18A1):c.3887C>T (p.Thr1296Met)

Genes: COL18A1 (collagen type XVIII alpha 1 chain; plus strand), SLC19A1 (solute carrier family 19 member 1; minus strand). Cytogenetic location: 21q22.3.
Variant type: single nucleotide variant.
Coding change: c.3887C>T on transcript NM_001379500.1 (MANE Select); coding-DNA position 3887, C replaced by T.
Protein change: p.Thr1296Met; replaces threonine 1296 with methionine.
Molecular consequence: missense variant.
Genome position (GRCh38, 1-based): chr21:45,512,265, C>T. VCF-style: chr21-45512265-C-T. GRCh37 (hg19) VCF-style: chr21-46932179-C-T.
Other names: c.4418C>T, p.Thr1473Met (NM_030582.4); c.5123C>T, p.Thr1708Met (NM_130444.3); short protein forms T1708M, T1473M, T1296M.
Identifiers: ClinVar variation 1441768 (VCV001441768.3), dbSNP rs773953865, ClinGen allele CA10068123.

ClinVar aggregate classification (germline): Uncertain significance (1 of 4 stars; one submission).

Allele frequency attached by ClinVar (database versions not stated): gnomAD exomes 0.00002; gnomAD 0.00003 and 0.00004; TOPMed 0.00003; ExAC 0.00004.
gnomAD v4.1: 29 of 1,611,636 alleles (0.0018%); highest among the groups gnomAD compares: Non-Finnish European, 0.0022%; no homozygotes.

Submission:

Labcorp Genetics (formerly Invitae), Labcorp
Classification: Uncertain significance. Last evaluated: 2022-10-25. Review status: criteria provided, single submitter. Criteria: Invitae Variant Classification Sherloc (09022015). Collection method: clinical testing. Allele origin: germline.
Comment: This sequence change replaces threonine, which is neutral and polar, with methionine, which is neutral and non-polar, at codon 1293 of the COL18A1 protein (p.Thr1293Met). This variant is present in population databases (rs773953865, gnomAD 0.005%). This variant has not been reported in the literature in individuals affected with COL18A1-related conditions. ClinVar contains an entry for this variant (Variation ID: 1441768). Experimental studies and prediction algorithms are not available or were not evaluated, and the functional significance of this variant is currently unknown. In summary, the available evidence is currently insufficient to determine the role of this variant in disease. Therefore, it has been classified as a Variant of Uncertain Significance.